The following is an entry in ClinVar:

NM_004821.3(HAND1):c.599G>A (p.Gly200Glu)

Gene: HAND1 (heart and neural crest derivatives expressed 1; minus strand). Cytogenetic location: 5q33.2.
Variant type: single nucleotide variant.
Coding change: c.599G>A on transcript NM_004821.3 (MANE Select); coding-DNA position 599, G replaced by A.
Protein change: p.Gly200Glu; replaces glycine 200 with glutamic acid.
Molecular consequence: missense variant.
Genome position (GRCh38, 1-based): chr5:154,475,855, C>T on the plus strand (G>A on the coding strand, the complement: HAND1 is on the minus strand). VCF-style: chr5-154475855-C-T. GRCh37 (hg19) VCF-style: chr5-153855415-C-T.
Other names: short protein forms G200E.
Identifiers: ClinVar variation 3723270 (VCV003723270.2).

ClinVar aggregate classification (germline): Uncertain significance (1 of 4 stars; one submission).

Conditions:
Hypoplastic left heart syndrome. Also called: Hypoplastic left ventricle; Hypoplastic left heart. Identifiers: Orphanet 2248, MedGen C0152101, MONDO:0004933, HP:0004383.

Submission:

Labcorp Genetics (formerly Invitae), Labcorp
Classification: Uncertain significance for Hypoplastic left heart syndrome. Last evaluated: 2025-02-26. Review status: criteria provided, single submitter. Criteria: Invitae Variant Classification Sherloc (09022015). Collection method: clinical testing. Allele origin: germline.
Comment: This sequence change replaces glycine, which is neutral and non-polar, with glutamic acid, which is acidic and polar, at codon 200 of the HAND1 protein (p.Gly200Glu). This variant is present in population databases (rs751211164, gnomAD 0.02%). This variant has not been reported in the literature in individuals affected with HAND1-related conditions. An algorithm developed to predict the effect of missense changes on protein structure and function (PolyPhen-2) suggests that this variant is likely to be disruptive. In summary, the available evidence is currently insufficient to determine the role of this variant in disease. Therefore, it has been classified as a Variant of Uncertain Significance.